The following is an entry in ClinVar:

NM_000038.6(APC):c.6483T>G (p.Ser2161Arg)

Gene: APC (APC regulator of Wnt signaling pathway; plus strand). Cytogenetic location: 5q22.2.
Variant type: single nucleotide variant.
Coding change: c.6483T>G on transcript NM_000038.6 (MANE Select); coding-DNA position 6483, T replaced by G.
Protein change: p.Ser2161Arg; replaces serine 2161 with arginine.
Molecular consequence: missense variant.
Genome position (GRCh38, 1-based): chr5:112,842,077, T>G. VCF-style: chr5-112842077-T-G. GRCh37 (hg19) VCF-style: chr5-112177774-T-G.
Other names: c.6210T>G, p.Ser2070Arg (NM_001354902.2); c.6180T>G, p.Ser2060Arg (NM_001354903.2); c.6105T>G, p.Ser2035Arg (NM_001354904.2); c.6003T>G, p.Ser2001Arg (NM_001354905.2); c.5634T>G, p.Ser1878Arg (NM_001354906.2); c.6483T>G, p.Ser2161Arg (NM_001127510.3, NM_001354895.2); c.6429T>G, p.Ser2143Arg (NM_001127511.3); c.6537T>G, p.Ser2179Arg (NM_001354896.2); and 5 more; short protein forms S2001R, S2035R, S2102R, S2133R, S2161R, S2070R, S2179R, S2120R.
Identifiers: ClinVar variation 1510957 (VCV001510957.11), dbSNP rs2149965904, ClinGen allele CA16035521.

ClinVar aggregate classification (germline): Uncertain significance. Review status: criteria provided, multiple submitters, no conflicts (2 of 4 stars). 3 submissions from 3 submitters: Uncertain significance (3). Last evaluated 2023-05-24.

Conditions:
Hereditary cancer-predisposing syndrome. Also called: Hereditary neoplastic syndrome; Neoplastic Syndromes, Hereditary; Tumor predisposition; Hereditary Cancer Syndrome. Identifiers: Orphanet 140162, MedGen C0027672, MeSH D009386, MONDO:0015356.
Familial adenomatous polyposis 1 (FAP1). Also called: FAMILIAL ADENOMATOUS POLYPOSIS 1, ATTENUATED; POLYPOSIS, ADENOMATOUS INTESTINAL. Identifiers: MedGen C2713442, MONDO:0021056, OMIM 175100. Disease mechanism: loss of function.

gnomAD v4.1: 3 of 1,611,502 alleles (0.00019%); highest among the groups gnomAD compares: Non-Finnish European, 0.00025%; no homozygotes.

Submissions (3):

Labcorp Genetics (formerly Invitae), Labcorp
Classification: Uncertain significance for Familial adenomatous polyposis 1. Last evaluated: 2023-05-24. Review status: criteria provided, single submitter. Criteria: Invitae Variant Classification Sherloc (09022015). Collection method: clinical testing. Allele origin: germline.
Comment: In summary, the available evidence is currently insufficient to determine the role of this variant in disease. Therefore, it has been classified as a Variant of Uncertain Significance. Advanced modeling of protein sequence and biophysical properties (such as structural, functional, and spatial information, amino acid conservation, physicochemical variation, residue mobility, and thermodynamic stability) performed at Invitae indicates that this missense variant is not expected to disrupt APC protein function. ClinVar contains an entry for this variant (Variation ID: 1510957). This variant has not been reported in the literature in individuals affected with APC-related conditions. This variant is not present in population databases (gnomAD no frequency). This sequence change replaces serine, which is neutral and polar, with arginine, which is basic and polar, at codon 2161 of the APC protein (p.Ser2161Arg).

Sema4
Classification: Uncertain significance for Hereditary cancer-predisposing syndrome. Last evaluated: 2021-09-30. Review status: criteria provided, single submitter. Criteria: Sema4 Curation Guidelines. Collection method: curation. Allele origin: germline.
Comment: To the best of our knowledge, the APC c.6483T>G (p.S2161R) variant has not been reported in individuals with APC-related disease. It was not observed in the large and broad cohorts of the Genome Aggregation Database (PMID: 32461654). The variant has not been reported in ClinVar. Functional studies have not been performed, and in silico predictions of the variant's effect on protein function are inconclusive. The evidence is insufficient to meet ACMG/AMP criteria for classifying the variant as benign or pathogenic. Thus, the clinical significance of this variant is currently uncertain.

Ambry Genetics
Classification: Uncertain significance for Hereditary cancer-predisposing syndrome. Last evaluated: 2020-11-20. Review status: criteria provided, single submitter. Criteria: Ambry Variant Classification Scheme 2023. Collection method: clinical testing. Allele origin: germline.
Comment: The p.S2161R variant (also known as c.6483T>G), located in coding exon 15 of the APC gene, results from a T to G substitution at nucleotide position 6483. The serine at codon 2161 is replaced by arginine, an amino acid with dissimilar properties. This amino acid position is well conserved in available vertebrate species. In addition, in silico predictors for this gene do not accurately predict pathogenicity. Since supporting evidence is limited at this time, the clinical significance of this alteration remains unclear.